The following is an entry in ClinVar:

NM_005629.4(SLC6A8):c.149C>A (p.Pro50Gln)

Gene: SLC6A8 (solute carrier family 6 member 8; plus strand). Cytogenetic location: Xq28.
Variant type: single nucleotide variant.
Coding change: c.149C>A on transcript NM_005629.4 (MANE Select); coding-DNA position 149, C replaced by A.
Protein change: p.Pro50Gln; replaces proline 50 with glutamine.
Molecular consequence: missense variant.
Genome position (GRCh38, 1-based): chrX:153,688,723, C>A. VCF-style: chrX-153688723-C-A. GRCh37 (hg19) VCF-style: chrX-152954178-C-A.
Other names: c.149C>A, p.Pro50Gln (NM_001142805.2); short protein forms P50Q.
Identifiers: ClinVar variation 2727804 (VCV002727804.3), dbSNP rs2522145332, ClinGen allele CA415076514.

ClinVar aggregate classification (germline): Uncertain significance (1 of 4 stars; one submission).

Conditions:
Creatine transporter deficiency (CCDS1). Also called: Creatine Transporter (CRTR) Deficiency; Mental retardation , X-linked with seizures, short stature and midface hypoplasia; Mental retardation , X-linked, with creatine transport deficiency; X-linked creatine transporter deficiency; X-linked creatine deficiency syndrome; SLC6A8-Related Creatine Transporter Deficiency. Identifiers: Orphanet 52503, MedGen C1845862, MONDO:0010305, OMIM 300352.

Submission:

Labcorp Genetics (formerly Invitae), Labcorp
Classification: Uncertain significance for Creatine transporter deficiency. Last evaluated: 2025-03-12. Review status: criteria provided, single submitter. Criteria: Invitae Variant Classification Sherloc (09022015). Collection method: clinical testing. Allele origin: germline.
Comment: This sequence change replaces proline, which is neutral and non-polar, with glutamine, which is neutral and polar, at codon 50 of the SLC6A8 protein (p.Pro50Gln). This variant is not present in population databases (gnomAD no frequency). This variant has not been reported in the literature in individuals affected with SLC6A8-related conditions. ClinVar contains an entry for this variant (Variation ID: 2727804). Invitae Evidence Modeling of protein sequence and biophysical properties (such as structural, functional, and spatial information, amino acid conservation, physicochemical variation, residue mobility, and thermodynamic stability) indicates that this missense variant is not expected to disrupt SLC6A8 protein function with a negative predictive value of 95%. In summary, the available evidence is currently insufficient to determine the role of this variant in disease. Therefore, it has been classified as a Variant of Uncertain Significance.